The following is an entry in ClinVar:

NM_001291415.2(KDM6A):c.4192A>T (p.Asn1398Tyr)

Gene: KDM6A (lysine demethylase 6A; plus strand). Cytogenetic location: Xp11.3.
Variant type: single nucleotide variant.
Coding change: c.4192A>T on transcript NM_001291415.2 (MANE Select); coding-DNA position 4192, A replaced by T.
Protein change: p.Asn1398Tyr; replaces asparagine 1398 with tyrosine.
Molecular consequence: missense variant. On other transcripts: non-coding transcript variant (1).
Genome position (GRCh38, 1-based): chrX:45,110,109, A>T. VCF-style: chrX-45110109-A-T. GRCh37 (hg19) VCF-style: chrX-44969354-A-T.
Other names: c.3934A>T, p.Asn1312Tyr (NM_001410742.1); c.4300A>T, p.Asn1434Tyr (NM_001419809.1); c.4198A>T, p.Asn1400Tyr (NM_001419810.1); c.4165A>T, p.Asn1389Tyr (NM_001419811.1); c.4144A>T, p.Asn1382Tyr (NM_001419812.1); c.4090A>T, p.Asn1364Tyr (NM_001419813.1); c.4042A>T, p.Asn1348Tyr (NM_001419814.1); c.3907A>T, p.Asn1303Tyr (NM_001419815.1); and 5 more; short protein forms N1267Y, N1303Y, N1312Y, N1364Y, N1434Y, N1346Y, N1348Y, N1389Y.
Identifiers: ClinVar variation 3678461 (VCV003678461.2).

ClinVar aggregate classification (germline): Uncertain significance (1 of 4 stars; one submission).

Conditions:
Kabuki syndrome 2 (KABUK2). Also called: KDM6A-Related Kabuki Syndrome. Identifiers: Orphanet 2322, MedGen C3275495, MONDO:0010465, OMIM 300867.

Submission:

Labcorp Genetics (formerly Invitae), Labcorp
Classification: Uncertain significance for Kabuki syndrome 2. Last evaluated: 2025-03-04. Review status: criteria provided, single submitter. Criteria: Invitae Variant Classification Sherloc (09022015). Collection method: clinical testing. Allele origin: germline.
Comment: This sequence change replaces asparagine, which is neutral and polar, with tyrosine, which is neutral and polar, at codon 1346 of the KDM6A protein (p.Asn1346Tyr). This variant is not present in population databases (gnomAD no frequency). This variant has not been reported in the literature in individuals affected with KDM6A-related conditions. Invitae Evidence Modeling of protein sequence and biophysical properties (such as structural, functional, and spatial information, amino acid conservation, physicochemical variation, residue mobility, and thermodynamic stability) indicates that this missense variant is not expected to disrupt KDM6A protein function with a negative predictive value of 80%. In summary, the available evidence is currently insufficient to determine the role of this variant in disease. Therefore, it has been classified as a Variant of Uncertain Significance.